The following is an entry in ClinVar:

ClinVar aggregate classification (germline): Uncertain significance (1 of 4 stars; one submission).

Conditions:
Congenital myasthenic syndrome 17. Identifiers: Orphanet 590, MedGen C4225377, MONDO:0014578, OMIM 616304.
Cenani-Lenz syndactyly syndrome. Also called: CENANI SYNDACTYLISM; SYNDACTYLY, TYPE VII. Identifiers: Orphanet 3258, MedGen C1859309, MONDO:0008931, OMIM 212780.
Sclerosteosis 2 (SOST2). Identifiers: Orphanet 3152, MedGen C3280402, MONDO:0013679, OMIM 614305.

Submission:

Labcorp Genetics (formerly Invitae), Labcorp
Classification: Uncertain significance for Cenani-Lenz syndactyly syndrome; Sclerosteosis 2; Congenital myasthenic syndrome 17. Last evaluated: 2022-07-29. Review status: criteria provided, single submitter. Criteria: Invitae Variant Classification Sherloc (09022015). Collection method: clinical testing. Allele origin: germline.
Comment: This variant is not present in population databases (gnomAD no frequency). This variant has not been reported in the literature in individuals affected with LRP4-related conditions. Algorithms developed to predict the effect of missense changes on protein structure and function are either unavailable or do not agree on the potential impact of this missense change (SIFT: "Deleterious"; PolyPhen-2: "Benign"; Align-GVGD: "Class C0"). In summary, the available evidence is currently insufficient to determine the role of this variant in disease. Therefore, it has been classified as a Variant of Uncertain Significance. This sequence change replaces glycine, which is neutral and non-polar, with serine, which is neutral and polar, at codon 1705 of the LRP4 protein (p.Gly1705Ser).

NM_002334.4(LRP4):c.5113G>A (p.Gly1705Ser)

Genes: LRP4 (LDL receptor related protein 4; minus strand), LRP4-AS1 (LRP4 antisense RNA 1; plus strand). Cytogenetic location: 11p11.2.
Variant type: single nucleotide variant.
Coding change: c.5113G>A on transcript NM_002334.4 (MANE Select); coding-DNA position 5113, G replaced by A.
Protein change: p.Gly1705Ser; replaces glycine 1705 with serine.
Molecular consequence: missense variant.
Genome position (GRCh38, 1-based): chr11:46,865,161, C>T on the plus strand (G>A on the coding strand, the complement: LRP4 is on the minus strand). VCF-style: chr11-46865161-C-T. GRCh37 (hg19) VCF-style: chr11-46886712-C-T.
Other names: short protein forms G1705S.
Identifiers: ClinVar variation 2000449 (VCV002000449.4), dbSNP rs2539705123, ClinGen allele CA380261891.